The following is an entry in ClinVar:

ClinVar aggregate classification (germline): Benign. Review status: criteria provided, multiple submitters, no conflicts (2 of 4 stars). 2 submissions from 2 submitters: Benign (2). Last evaluated 2018-01-13.

Conditions:
Autosomal recessive distal renal tubular acidosis. Identifiers: Orphanet 402041, MedGen C1864498, MONDO:0018440.

Allele frequency attached by ClinVar (database versions not stated): ExAC 0.00602; gnomAD 0.01002 and 0.01070; ESP Exome Variant Server 0.01007; 1000 Genomes Project 0.01078; 1000 Genomes Project 30x 0.01109; TOPMed 0.01182.
gnomAD v4.1: 3,310 of 1,598,030 alleles (0.21%); highest among the groups gnomAD compares: African/African-American, 3.4%; 45 homozygotes.

Submissions (2):

Illumina Laboratory Services, Illumina
Classification: Benign for Renal tubular acidosis, distal, 3, with or without sensorineural hearing loss. Last evaluated: 2018-01-13. Review status: criteria provided, single submitter. Criteria: ICSL Variant Classification Criteria 13 December 2019. Collection method: clinical testing. Allele origin: germline.
Comment: This variant was observed in the ICSL laboratory as part of a predisposition screen in an ostensibly healthy population. It had not been previously curated by ICSL or reported in the Human Gene Mutation Database (HGMD: prior to June 1st, 2018), and was therefore a candidate for classification through an automated scoring system. Utilizing variant allele frequency, disease prevalence and penetrance estimates, and inheritance mode, an automated score was calculated to assess if this variant is too frequent to cause the disease. Based on the score and internal cut-off values, a variant classified as benign is not then subjected to further curation. The score for this variant resulted in a classification of benign for this disease.

Breakthrough Genomics
Classification: Benign. Review status: criteria provided, single submitter. Criteria: ACMG Guidelines, 2015. Collection method: not provided. Allele origin: germline. Inheritance: Autosomal recessive inheritance. Affected: yes.

NM_020632.3(ATP6V0A4):c.-199C>T

Genes: ATP6V0A4 (ATPase H+ transporting V0 subunit a4; minus strand), TMEM213 (transmembrane protein 213; plus strand), LOC123956241 (Sharpr-MPRA regulatory region 1249; plus strand). Cytogenetic location: 7q34.
Variant type: single nucleotide variant.
Coding change: c.-199C>T on transcript NM_020632.3 (MANE Select); 199 bases upstream of the start codon, C replaced by T.
Molecular consequence: 5 prime UTR variant. On other transcripts: missense variant (1).
Genome position (GRCh38, 1-based): chr7:138,798,112, G>A on the plus strand (C>T on the coding strand, the complement: ATP6V0A4 is on the minus strand). VCF-style: chr7-138798112-G-A. GRCh37 (hg19) VCF-style: chr7-138482857-G-A.
Other names: c.8G>A, p.Arg3His (NM_001085429.2); c.-96C>T (NM_130840.3); short protein forms R3H.
Identifiers: ClinVar variation 909588 (VCV000909588.5), dbSNP rs138299222, ClinGen allele CA4505314.